The following is an entry in ClinVar:

ClinVar aggregate classification (germline): Conflicting classifications of pathogenicity. Review status: criteria provided, conflicting classifications (1 of 4 stars). 5 submissions from 5 submitters: Uncertain significance (3); Likely benign (2). Last evaluated 2026-02-13.

Conditions:
Polymicrogyria with or without vascular-type Ehlers-Danlos syndrome. Identifiers: Orphanet 636941, MedGen C5193040, MONDO:0032688, OMIM 618343.
Ehlers-Danlos syndrome, type 4 (EDSVASC). Also called: Ehlers-Danlos syndrome vascular type; Ehlers Danlos syndrome, ecchymotic type; Ehlers Danlos syndrome, arterial type; Ehlers Danlos syndrome, Sack-Barabas type; Ehlers-Danlos Syndrome Type IV. Identifiers: Orphanet 286, MedGen C0268338, MONDO:0017314, OMIM 130050.
Familial thoracic aortic aneurysm and aortic dissection (TAAD). Also called: Thoracic aortic aneurysms and dissections. Identifiers: Orphanet 91387, MedGen C4707243, MONDO:0019625.

Allele frequency attached by ClinVar (database versions not stated): TOPMed 0.00006; ESP Exome Variant Server 0.00015; gnomAD exomes below 0.00001 and 0.00001; ExAC 0.00004; gnomAD 0.00006.
gnomAD v4.1: 12 of 1,562,590 alleles (0.00077%); highest among the groups gnomAD compares: African/African-American, 0.016%; no homozygotes.

Submissions (5):

Ambry Genetics
Classification: Likely benign for Familial thoracic aortic aneurysm and aortic dissection. Last evaluated: 2026-02-13. Review status: criteria provided, single submitter. Criteria: Ambry Variant Classification Scheme 2023. Collection method: clinical testing. Allele origin: germline.

Labcorp Genetics (formerly Invitae), Labcorp
Classification: Uncertain significance for Ehlers-Danlos syndrome, type 4. Last evaluated: 2025-09-03. Review status: criteria provided, single submitter. Criteria: Invitae Variant Classification Sherloc (09022015). Collection method: clinical testing. Allele origin: germline.
Comment: This sequence change replaces valine, which is neutral and non-polar, with alanine, which is neutral and non-polar, at codon 529 of the COL3A1 protein (p.Val529Ala). This variant is present in population databases (rs201980471, gnomAD 0.02%). This variant has not been reported in the literature in individuals affected with COL3A1-related conditions. ClinVar contains an entry for this variant (Variation ID: 449606). Invitae Evidence Modeling of protein sequence and biophysical properties (such as structural, functional, and spatial information, amino acid conservation, physicochemical variation, residue mobility, and thermodynamic stability) indicates that this missense variant is not expected to disrupt COL3A1 protein function with a negative predictive value of 95%. In summary, the available evidence is currently insufficient to determine the role of this variant in disease. Therefore, it has been classified as a Variant of Uncertain Significance.

Color Diagnostics, LLC DBA Color Health
Classification: Likely benign for Familial thoracic aortic aneurysm and aortic dissection. Last evaluated: 2025-07-22. Review status: criteria provided, single submitter. Criteria: ACMG Guidelines, 2015. Collection method: clinical testing. Allele origin: germline.

Fulgent Genetics
Classification: Uncertain significance for Ehlers-Danlos syndrome, type 4; Polymicrogyria with or without vascular-type Ehlers-Danlos syndrome. Last evaluated: 2021-09-08. Review status: criteria provided, single submitter. Criteria: ACMG Guidelines, 2015. Collection method: clinical testing. Allele origin: unknown.

GeneDx
Classification: Uncertain significance. Last evaluated: 2015-12-04. Review status: criteria provided, single submitter. Criteria: GeneDx Variant Classification (06012015). Collection method: clinical testing. Allele origin: germline. Affected: yes.
Comment: A variant of uncertain significance has been identified in the COL3A1 gene. The V529A variant has not been published as a pathogenic variant, nor has it been reported as a benign variant to our knowledge. The V529A variant was not observed with any significant frequency in approximately 6,500 individuals of European and African American ancestry in the NHLBI Exome Sequencing Project. However, the V529A variant is a conservative amino acid substitution, which is not likely to impact secondary protein structure as these residues share similar properties. This substitution occurs at a position that is not conserved and where A529 is present as the wild type in several species. In silico analysis predicts this variant likely does not alter the protein structure/function. Furthermore, no missense variants in nearby residues have been reported in the Human Gene Mutation Database in association with COL3A1-related disorders (Stenson et al., 2014), indicating that this region of the gene is not known to harbor disease-causing variants. Finally, the V529A variant does not affect a Glycine residue in a Gly-X-Y motif in the triple helical region of the COL3A1 gene, where the majority of pathogenic missense variants occur (Stenson et al., 2014; Symoens et al., 2012).Therefore, based on the currently available information, it is unclear whether this variant is pathogenic or rare benign.

NM_000090.4(COL3A1):c.1586T>C (p.Val529Ala)

Gene: COL3A1 (collagen type III alpha 1 chain; plus strand). Cytogenetic location: 2q32.2.
Variant type: single nucleotide variant.
Coding change: c.1586T>C on transcript NM_000090.4 (MANE Select); coding-DNA position 1586, T replaced by C.
Protein change: p.Val529Ala; replaces valine 529 with alanine.
Molecular consequence: missense variant.
Genome position (GRCh38, 1-based): chr2:188,995,768, T>C. VCF-style: chr2-188995768-T-C. GRCh37 (hg19) VCF-style: chr2-189860494-T-C.
Other names: short protein forms V529A.
Identifiers: ClinVar variation 449606 (VCV000449606.7), dbSNP rs201980471, ClinGen allele CA074478.